The following is an entry in ClinVar:

NM_020631.6(PLEKHG5):c.2213T>A (p.Met738Lys)

Gene: PLEKHG5 (pleckstrin homology and RhoGEF domain containing G5; minus strand). Cytogenetic location: 1p36.31.
Variant type: single nucleotide variant.
Coding change: c.2213T>A on transcript NM_020631.6 (MANE Select); coding-DNA position 2213, T replaced by A.
Protein change: p.Met738Lys; replaces methionine 738 with lysine.
Molecular consequence: missense variant.
Genome position (GRCh38, 1-based): chr1:6,469,078, A>T on the plus strand (T>A on the coding strand, the complement: PLEKHG5 is on the minus strand). VCF-style: chr1-6469078-A-T. GRCh37 (hg19) VCF-style: chr1-6529138-A-T.
Other names: c.2324T>A, p.Met775Lys (NM_001042663.3, NM_001265592.2); c.2213T>A, p.Met738Lys (NM_001042664.2, NM_001042665.2, NM_001265594.3 and 1 more transcripts); c.2420T>A, p.Met807Lys (NM_001265593.2); short protein forms M738K, M807K, M775K.
Identifiers: ClinVar variation 572214 (VCV000572214.6), dbSNP rs1305950436, ClinGen allele CA338117993.
Genomic context (GRCh38, chr1:6,469,078, plus strand): 5'-CTGGGTGGTCATGAGCAGACGTACCAGTGCTGAGAGTCGGGGCTGCCGCTGCTTTTCCGC[A>T]TGATGGTAGGGGAGCTGGCAGCTGAAGTGCCACTGTCCTCGCCTTCCTCCTCCTCCTCCT-3'
Protein context (NP_065682.2, residues 728-748): GTSAASSPTI[Met738Lys]RKSSGSPDSQ

ClinVar aggregate classification (germline): Uncertain significance (1 of 4 stars; one submission).

Conditions:
Charcot-Marie-Tooth disease recessive intermediate C. Also called: CHARCOT-MARIE-TOOTH NEUROPATHY, RECESSIVE INTERMEDIATE C. Identifiers: Orphanet 369867, MedGen C3809309, MONDO:0014154, OMIM 615376.
Neuronopathy, distal hereditary motor, autosomal recessive 4. Also called: Autosomal recessive lower motor neuron disease with childhood onset; NEUROPATHY, DISTAL HEREDITARY MOTOR, AUTOSOMAL RECESSIVE 4. Identifiers: Orphanet 206580, MedGen C1970211, MONDO:0012608, OMIM 611067.

Allele frequency attached by ClinVar (database versions not stated): TOPMed 0.00001; gnomAD 0.00002; gnomAD exomes 0.00002 and 0.00005.
gnomAD v4.1: 76 of 1,613,122 alleles (0.0047%); highest among the groups gnomAD compares: Non-Finnish European, 0.0064%; no homozygotes.

Submission:

Labcorp Genetics (formerly Invitae), Labcorp
Classification: Uncertain significance for Neuronopathy, distal hereditary motor, autosomal recessive 4; Charcot-Marie-Tooth disease recessive intermediate C. Last evaluated: 2021-09-01. Review status: criteria provided, single submitter. Criteria: Invitae Variant Classification Sherloc (09022015). Collection method: clinical testing. Allele origin: germline.
Comment: This sequence change replaces methionine with lysine at codon 738 of the PLEKHG5 protein (p.Met738Lys). The methionine residue is weakly conserved and there is a moderate physicochemical difference between methionine and lysine. This variant is not present in population databases (ExAC no frequency). This variant has not been reported in the literature in individuals affected with PLEKHG5-related conditions. Algorithms developed to predict the effect of missense changes on protein structure and function (SIFT, PolyPhen-2, Align-GVGD) all suggest that this variant is likely to be tolerated. Algorithms developed to predict the effect of sequence changes on RNA splicing suggest that this variant may create or strengthen a splice site. In summary, the available evidence is currently insufficient to determine the role of this variant in disease. Therefore, it has been classified as a Variant of Uncertain Significance.